The following is an entry in ClinVar:

ClinVar aggregate classification (germline): Benign (1 of 4 stars; one submission).

Allele frequency attached by ClinVar (database versions not stated): 1000 Genomes Project 30x 0.00187; TOPMed 0.00232; 1000 Genomes Project 0.00240; gnomAD 0.00524.
gnomAD v4.1: 793 of 152,170 alleles (0.52%); highest among the groups gnomAD compares: Non-Finnish European, 0.5%; 4 homozygotes.

Submission:

CeGaT Center for Human Genetics Tuebingen
Classification: Benign. Last evaluated: 2026-06-01. Review status: criteria provided, single submitter. Criteria: CeGaT Center For Human Genetics Tuebingen Variant Classification Criteria Version 2. Collection method: clinical testing. Allele origin: germline. Affected: yes. Observed: 11 variant alleles.
Comment: ALK: BS1, BS2

NM_004304.5(ALK):c.3172+347G>A

Gene: ALK (ALK receptor tyrosine kinase; minus strand). Cytogenetic location: 2p23.2.
Variant type: single nucleotide variant.
Coding change: c.3172+347G>A on transcript NM_004304.5 (MANE Select); 347 bases into the intron after coding-DNA position 3172, G replaced by A.
Molecular consequence: intron variant.
Genome position (GRCh38, 1-based): chr2:29,225,114, C>T on the plus strand (G>A on the coding strand, the complement: ALK is on the minus strand). VCF-style: chr2-29225114-C-T. GRCh37 (hg19) VCF-style: chr2-29447980-C-T.
Identifiers: ClinVar variation 1711496 (VCV001711496.30), dbSNP rs141269089, ClinGen allele CA44632900.